The following is an entry in ClinVar:

NM_001288705.3(CSF1R):c.1216G>A (p.Val406Ile)

Gene: CSF1R (colony stimulating factor 1 receptor; minus strand). Cytogenetic location: 5q32.
Variant type: single nucleotide variant.
Coding change: c.1216G>A on transcript NM_001288705.3 (MANE Select); coding-DNA position 1216, G replaced by A.
Protein change: p.Val406Ile; replaces valine 406 with isoleucine.
Molecular consequence: missense variant. On other transcripts: non-coding transcript variant (2).
Genome position (GRCh38, 1-based): chr5:150,070,285, C>T on the plus strand (G>A on the coding strand, the complement: CSF1R is on the minus strand). VCF-style: chr5-150070285-C-T. GRCh37 (hg19) VCF-style: chr5-149449848-C-T.
Other names: c.1216G>A, p.Val406Ile (NM_001349736.2, NM_001375320.1, NM_005211.4); c.772G>A, p.Val258Ile (NM_001375321.1); short protein forms V258I, V406I.
Identifiers: ClinVar variation 907435 (VCV000907435.8), dbSNP rs377213618, ClinGen allele CA3506902.

ClinVar aggregate classification (germline): Benign/Likely benign. Review status: criteria provided, multiple submitters, no conflicts (2 of 4 stars). 3 submissions from 3 submitters: Benign (1); Likely benign (2). Last evaluated 2025-09-21.

Conditions:
Inborn genetic diseases. Identifiers: MedGen C0950123, MeSH D030342.
Hereditary diffuse leukoencephalopathy with spheroids. Also called: LEUKOENCEPHALOPATHY, ADULT-ONSET, WITH AXONAL SPHEROIDS AND PIGMENTED GLIA. Identifiers: Orphanet 313808, MedGen C3711381, MONDO:0030796.

Allele frequency attached by ClinVar (database versions not stated): ExAC 0.00002; ESP Exome Variant Server 0.00008; gnomAD exomes 0.00005; TOPMed 0.00005.
gnomAD v4.1: 90 of 1,613,962 alleles (0.0056%); highest among the groups gnomAD compares: South Asian, 0.013%; no homozygotes.

Submissions (3):

Labcorp Genetics (formerly Invitae), Labcorp
Classification: Likely benign. Last evaluated: 2025-09-21. Review status: criteria provided, single submitter. Criteria: Invitae Variant Classification Sherloc (09022015). Collection method: clinical testing. Allele origin: germline.

Ambry Genetics
Classification: Likely benign for Inborn genetic diseases. Last evaluated: 2024-09-17. Review status: criteria provided, single submitter. Criteria: Ambry Variant Classification Scheme 2023. Collection method: clinical testing. Allele origin: germline.

Illumina Laboratory Services, Illumina
Classification: Benign for Leukoencephalopathy, diffuse hereditary, with spheroids 1. Last evaluated: 2018-01-12. Review status: criteria provided, single submitter. Criteria: ICSL Variant Classification Criteria 13 December 2019. Collection method: clinical testing. Allele origin: germline.
Comment: This variant was observed in the ICSL laboratory as part of a predisposition screen in an ostensibly healthy population. It had not been previously curated by ICSL or reported in the Human Gene Mutation Database (HGMD: prior to June 1st, 2018), and was therefore a candidate for classification through an automated scoring system. Utilizing variant allele frequency, disease prevalence and penetrance estimates, and inheritance mode, an automated score was calculated to assess if this variant is too frequent to cause the disease. Based on the score and internal cut-off values, a variant classified as benign is not then subjected to further curation. The score for this variant resulted in a classification of benign for this disease.